The following is an entry in ClinVar:

ClinVar aggregate classification (germline): Uncertain significance (1 of 4 stars; one submission).

Allele frequency attached by ClinVar (database versions not stated): gnomAD exomes below 0.00001.

Submission:

Labcorp Genetics (formerly Invitae), Labcorp
Classification: Uncertain significance. Last evaluated: 2022-02-03. Review status: criteria provided, single submitter. Criteria: Invitae Variant Classification Sherloc (09022015). Collection method: clinical testing. Allele origin: germline.
Comment: In summary, the available evidence is currently insufficient to determine the role of this variant in disease. Therefore, it has been classified as a Variant of Uncertain Significance. Advanced modeling of protein sequence and biophysical properties (such as structural, functional, and spatial information, amino acid conservation, physicochemical variation, residue mobility, and thermodynamic stability) performed at Invitae indicates that this missense variant is expected to disrupt ABCA4 protein function. This variant has not been reported in the literature in individuals affected with ABCA4-related conditions. This variant is not present in population databases (gnomAD no frequency). This sequence change replaces cysteine, which is neutral and slightly polar, with tyrosine, which is neutral and polar, at codon 1959 of the ABCA4 protein (p.Cys1959Tyr).

NM_000350.3(ABCA4):c.5876G>A (p.Cys1959Tyr)

Gene: ABCA4 (ATP binding cassette subfamily A member 4; minus strand). Cytogenetic location: 1p22.1.
Variant type: single nucleotide variant.
Coding change: c.5876G>A on transcript NM_000350.3 (MANE Select); coding-DNA position 5876, G replaced by A.
Protein change: p.Cys1959Tyr; replaces cysteine 1959 with tyrosine.
Molecular consequence: missense variant.
Genome position (GRCh38, 1-based): chr1:94,008,257, C>T on the plus strand (G>A on the coding strand, the complement: ABCA4 is on the minus strand). VCF-style: chr1-94008257-C-T. GRCh37 (hg19) VCF-style: chr1-94473813-C-T.
Other names: c.5654G>A, p.Cys1885Tyr (NM_001425324.1); short protein forms C1959Y, C1885Y.
Identifiers: ClinVar variation 1348998 (VCV001348998.8), dbSNP rs2101004162, ClinGen allele CA341279871.